The following is an entry in ClinVar:

ClinVar aggregate classification (germline): Pathogenic (1 of 4 stars; one submission).

Conditions:
Baller-Gerold syndrome (BGS). Also called: CRANIOSYNOSTOSIS WITH RADIAL DEFECTS. Identifiers: Orphanet 1225, MedGen C0265308, MONDO:0009039, OMIM 218600.

Submission:

Labcorp Genetics (formerly Invitae), Labcorp
Classification: Pathogenic for Baller-Gerold syndrome. Last evaluated: 2022-08-23. Review status: criteria provided, single submitter. Criteria: Invitae Variant Classification Sherloc (09022015). Collection method: clinical testing. Allele origin: germline.
Comment: For these reasons, this variant has been classified as Pathogenic. ClinVar contains an entry for this variant (Variation ID: 854411). This variant has not been reported in the literature in individuals affected with RECQL4-related conditions. The frequency data for this variant in the population databases is considered unreliable, as metrics indicate poor data quality at this position in the gnomAD database. This sequence change creates a premature translational stop signal (p.Ala587Argfs*103) in the RECQL4 gene. It is expected to result in an absent or disrupted protein product. Loss-of-function variants in RECQL4 are known to be pathogenic (PMID: 12734318, 12952869).

Literature cited by the submitters: PubMed 12734318; PubMed 12952869.

NM_004260.4(RECQL4):c.1759del (p.Ala587fs)

Gene: RECQL4 (RecQ like helicase 4; minus strand). Cytogenetic location: 8q24.3.
Variant type: Deletion.
Coding change: c.1759del on transcript NM_004260.4 (MANE Select); coding-DNA position 1759, one base deleted (G; older notation c.1759delG).
Protein change: p.Ala587fs; shifts the reading frame from alanine 587.
Molecular consequence: frameshift variant.
Genome position (GRCh38, 1-based): chr8:144,514,308, C deleted on the plus strand (G on the coding strand, the reverse complement: RECQL4 is on the minus strand); the first of 5 consecutive C bases (chr8:144,514,308-144,514,312); deleting any one gives the same sequence. VCF-style (leftmost placement, unchanged base first): chr8-144514307-GC-G. GRCh37 (hg19) VCF-style: chr8-145739691-GC-G.
Other names: short protein forms A587fs.
Identifiers: ClinVar variation 854411 (VCV000854411.6), dbSNP rs1564799470, ClinGen allele CA586165488.